The following is an entry in ClinVar:

ClinVar aggregate classification (germline): Uncertain significance (1 of 4 stars; one submission).

Conditions:
Landau-Kleffner syndrome (FESD). Also called: EPILEPSY, FOCAL, WITH SPEECH DISORDER AND WITH OR WITHOUT MENTAL RETARDATION; APHASIA, ACQUIRED, WITH EPILEPSY. Identifiers: Orphanet 1945, Orphanet 725, Orphanet 98818, MedGen C0282512, MONDO:0009509, OMIM 245570.

Submission:

Labcorp Genetics (formerly Invitae), Labcorp
Classification: Uncertain significance for Landau-Kleffner syndrome. Last evaluated: 2024-10-24. Review status: criteria provided, single submitter. Criteria: Invitae Variant Classification Sherloc (09022015). Collection method: clinical testing. Allele origin: germline.
Comment: This sequence change replaces glycine, which is neutral and non-polar, with serine, which is neutral and polar, at codon 1197 of the GRIN2A protein (p.Gly1197Ser). This variant is not present in population databases (gnomAD no frequency). This variant has not been reported in the literature in individuals affected with GRIN2A-related conditions. Invitae Evidence Modeling of protein sequence and biophysical properties (such as structural, functional, and spatial information, amino acid conservation, physicochemical variation, residue mobility, and thermodynamic stability) indicates that this missense variant is not expected to disrupt GRIN2A protein function with a negative predictive value of 95%. In summary, the available evidence is currently insufficient to determine the role of this variant in disease. Therefore, it has been classified as a Variant of Uncertain Significance.

NM_001134407.3(GRIN2A):c.3589G>A (p.Gly1197Ser)

Gene: GRIN2A (glutamate ionotropic receptor NMDA type subunit 2A; minus strand). Cytogenetic location: 16p13.2.
Variant type: single nucleotide variant.
Coding change: c.3589G>A on transcript NM_001134407.3 (MANE Select); coding-DNA position 3589, G replaced by A.
Protein change: p.Gly1197Ser; replaces glycine 1197 with serine.
Molecular consequence: missense variant.
Genome position (GRCh38, 1-based): chr16:9,763,955, C>T on the plus strand (G>A on the coding strand, the complement: GRIN2A is on the minus strand). VCF-style: chr16-9763955-C-T. GRCh37 (hg19) VCF-style: chr16-9857812-C-T.
Other names: c.3589G>A, p.Gly1197Ser (NM_000833.5, NM_001134408.2); short protein forms G1197S.
Identifiers: ClinVar variation 3637275 (VCV003637275.2).
Genomic context (GRCh38, chr16:9,763,955, plus strand): 5'-AGCTTCTGCAGTGCGTGGAGTTCTGCCGGTATCGCTCGCTGGTCTCACTGTGCGGGGAAC[C>T]CTTGTCTTTCAAGGTGAAGTGCTTGGAGTAGAGTTTATACTGGTCGTTGTTGGAAAGCCC-3'
Protein context (NP_001127879.1, residues 1187-1207): YSKHFTLKDK[Gly1197Ser]SPHSETSERY